The following is an entry in ClinVar:

ClinVar aggregate classification (germline): Uncertain significance (1 of 4 stars; one submission).

Conditions:
Pierson syndrome. Also called: MICROCORIA-CONGENITAL NEPHROTIC SYNDROME. Identifiers: Orphanet 2670, MedGen C1836876, MONDO:0012184, OMIM 609049.
LAMB2-related infantile-onset nephrotic syndrome. Also called: Nephrotic Syndrome, type 5; NEPHROTIC SYNDROME, TYPE 5, WITHOUT OCULAR ABNORMALITIES; NEPHROTIC SYNDROME, TYPE 5, WITH OCULAR ABNORMALITIES. Identifiers: Orphanet 306507, MedGen C3280113, MONDO:0013621, OMIM 614199.

Allele frequency attached by ClinVar (database versions not stated): gnomAD exomes below 0.00001.
gnomAD v4.1: 1 of 1,613,136 alleles (0.000062%); highest among the groups gnomAD compares: Admixed American, 0.0017%; no homozygotes.

Submission:

Labcorp Genetics (formerly Invitae), Labcorp
Classification: Uncertain significance for LAMB2-related infantile-onset nephrotic syndrome; Pierson syndrome. Last evaluated: 2024-10-16. Review status: criteria provided, single submitter. Criteria: Invitae Variant Classification Sherloc (09022015). Collection method: clinical testing. Allele origin: germline.
Comment: This sequence change replaces glycine, which is neutral and non-polar, with aspartic acid, which is acidic and polar, at codon 1648 of the LAMB2 protein (p.Gly1648Asp). The frequency data for this variant in the population databases is considered unreliable, as metrics indicate poor data quality at this position in the gnomAD database. This variant has not been reported in the literature in individuals affected with LAMB2-related conditions. ClinVar contains an entry for this variant (Variation ID: 1418852). An algorithm developed to predict the effect of missense changes on protein structure and function (PolyPhen-2) suggests that this variant is likely to be tolerated. In summary, the available evidence is currently insufficient to determine the role of this variant in disease. Therefore, it has been classified as a Variant of Uncertain Significance.

NM_002292.4(LAMB2):c.4943G>A (p.Gly1648Asp)

Gene: LAMB2 (laminin subunit beta 2; minus strand). Cytogenetic location: 3p21.31.
Variant type: single nucleotide variant.
Coding change: c.4943G>A on transcript NM_002292.4 (MANE Select); coding-DNA position 4943, G replaced by A.
Protein change: p.Gly1648Asp; replaces glycine 1648 with aspartic acid.
Molecular consequence: missense variant.
Genome position (GRCh38, 1-based): chr3:49,121,841, C>T on the plus strand (G>A on the coding strand, the complement: LAMB2 is on the minus strand). VCF-style: chr3-49121841-C-T. GRCh37 (hg19) VCF-style: chr3-49159274-C-T.
Other names: short protein forms G1648D.
Identifiers: ClinVar variation 1418852 (VCV001418852.6), dbSNP rs1271985841, ClinGen allele CA352685975.